The following is an entry in ClinVar:

ClinVar aggregate classification (germline): Uncertain significance. Review status: criteria provided, multiple submitters, no conflicts (2 of 4 stars). 2 submissions from 2 submitters: Uncertain significance (2). Last evaluated 2026-02-24.

Conditions:
Hereditary cancer-predisposing syndrome. Also called: Tumor predisposition; Hereditary Cancer Syndrome; Hereditary neoplastic syndrome; Neoplastic Syndromes, Hereditary. Identifiers: Orphanet 140162, MedGen C0027672, MeSH D009386, MONDO:0015356.
Retinoblastoma (RB1). Also called: RETINOBLASTOMA, SOMATIC. Identifiers: Orphanet 790, MedGen C0035335, MeSH D012175, MONDO:0008380, OMIM 180200, HP:0009919. Disease mechanism: loss of function. Inheritance: Both sporadic and heritable forms are tested..

Submissions (2):

Ambry Genetics
Classification: Uncertain significance for Hereditary cancer-predisposing syndrome. Last evaluated: 2026-02-24. Review status: criteria provided, single submitter. Criteria: Ambry Variant Classification Scheme 2023. Collection method: clinical testing. Allele origin: germline.
Comment: The p.K8N variant (also known as c.24A>C), located in coding exon 1 of the RB1 gene, results from an A to C substitution at nucleotide position 24. The lysine at codon 8 is replaced by asparagine, an amino acid with similar properties. This amino acid position is conserved. In addition, this alteration is predicted to be tolerated by in silico analysis. Since supporting evidence is limited at this time, the clinical significance of this alteration remains unclear.

All of Us Research Program, National Institutes of Health
Classification: Uncertain significance for Retinoblastoma. Last evaluated: 2024-03-24. Review status: criteria provided, single submitter. Criteria: ACMG Guidelines, 2015. Collection method: clinical testing. Allele origin: germline. Inheritance: Autosomal dominant inheritance. Observed: 5 variant alleles, 5 heterozygotes.
Comment: This missense variant replaces lysine with asparagine at codon 8 of the RB1 protein. Computational prediction suggests that this variant may not impact protein structure and function (internally defined REVEL score threshold <= 0.5, PMID: 27666373). To our knowledge, functional studies have not been reported for this variant. This variant has not been reported in individuals affected with RB1-related disorders in the literature. This variant has not been identified in the general population by the Genome Aggregation Database (gnomAD). The available evidence is insufficient to determine the role of this variant in disease conclusively. Therefore, this variant is classified as a Variant of Uncertain Significance.

This study involves interpretation of variants in research participants for the purpose of population health screening. Participant phenotype was not available at the time of variant classification. Additional details can be found in publication PMID: 35346344, PMCID: PMC8962531

NM_000321.3(RB1):c.24A>C (p.Lys8Asn)

Gene: RB1 (RB transcriptional corepressor 1; plus strand). Cytogenetic location: 13q14.2.
Variant type: single nucleotide variant.
Coding change: c.24A>C on transcript NM_000321.3 (MANE Select); coding-DNA position 24, A replaced by C.
Protein change: p.Lys8Asn; replaces lysine 8 with asparagine.
Molecular consequence: missense variant.
Genome position (GRCh38, 1-based): chr13:48,303,936, A>C. VCF-style: chr13-48303936-A-C. GRCh37 (hg19) VCF-style: chr13-48878072-A-C.
Other names: c.24A>C, p.Lys8Asn (NM_001407165.1, NM_001407166.1, NM_001407167.1); short protein forms K8N.
Identifiers: ClinVar variation 1792195 (VCV001792195.5), dbSNP rs2138027103, ClinGen allele CA388250176.